The following is an entry in ClinVar:

ClinVar aggregate classification (germline): Conflicting classifications of pathogenicity. Review status: criteria provided, conflicting classifications (1 of 4 stars). 2 submissions from 2 submitters: Likely pathogenic (1); Uncertain significance (1). Last evaluated 2026-01-06.

Conditions:
Inborn genetic diseases. Identifiers: MedGen C0950123, MeSH D030342.

Submissions (2):

Labcorp Genetics (formerly Invitae), Labcorp
Classification: Likely pathogenic. Last evaluated: 2026-01-06. Review status: criteria provided, single submitter. Criteria: Invitae Variant Classification Sherloc (09022015). Collection method: clinical testing. Allele origin: germline.
Comment: This sequence change affects an acceptor splice site in intron 3 of the MBD4 gene. It is expected to disrupt RNA splicing. Variants that disrupt the donor or acceptor splice site typically lead to a loss of protein function (PMID: 16199547), and loss-of-function variants in MBD4 are known to be pathogenic (PMID: 30049810, 35460607). This variant is not present in population databases (gnomAD no frequency). This variant has not been reported in the literature in individuals affected with MBD4-related conditions. ClinVar contains an entry for this variant (Variation ID: 3667613). Algorithms developed to predict the effect of sequence changes on RNA splicing suggest that this variant may disrupt the consensus splice site. In summary, the currently available evidence indicates that the variant is pathogenic, but additional data are needed to prove that conclusively. Therefore, this variant has been classified as Likely Pathogenic.

Ambry Genetics
Classification: Uncertain significance for Inborn genetic diseases. Last evaluated: 2025-02-18. Review status: criteria provided, single submitter. Criteria: Ambry Variant Classification Scheme 2023. Collection method: clinical testing. Allele origin: germline.
Comment: The c.1184-1G>A intronic variant results from a G to A substitution one nucleotide upstream from coding exon 4 of the MBD4 gene. Alterations that disrupt the canonical splice site are expected to result in aberrant splicing. In silico splice site analysis predicts that this alteration will weaken the native splice acceptor site. The resulting transcript is predicted to be in-frame and is not expected to trigger nonsense-mediated mRNA decay. RNA studies have demonstrated that this alteration results in a transcript predicted to lead to a protein with an in-frame deletion of 25 amino acids; however, the exact functional impact of the deleted amino acids is unknown at this time (Ambry internal data). This nucleotide position is highly conserved in available vertebrate species. Based on the available evidence, the clinical significance of this variant remains unclear.

Literature cited by the submitters: PubMed 16199547 (cited by Labcorp Genetics (formerly Invitae), Labcorp); PubMed 30049810 (cited by Labcorp Genetics (formerly Invitae), Labcorp); PubMed 35460607 (cited by Labcorp Genetics (formerly Invitae), Labcorp).

NM_001276270.2(MBD4):c.1184-1G>A

Gene: MBD4 (methyl-CpG binding domain 4, DNA glycosylase; minus strand). Cytogenetic location: 3q21.3.
Variant type: single nucleotide variant.
Coding change: c.1184-1G>A on transcript NM_001276270.2 (MANE Select); the canonical splice acceptor site of the intron before coding-DNA position 1184, G replaced by A.
Molecular consequence: splice acceptor variant.
Genome position (GRCh38, 1-based): chr3:129,434,137, C>T on the plus strand (G>A on the coding strand, the complement: MBD4 is on the minus strand). VCF-style: chr3-129434137-C-T. GRCh37 (hg19) VCF-style: chr3-129152980-C-T.
Other names: c.1202-1G>A (NM_001276272.2, NM_003925.3, NM_001276271.2); c.248-1G>A (NM_001276273.2).
Identifiers: ClinVar variation 3667613 (VCV003667613.3).